The following is an entry in ClinVar:

NM_000199.5(SGSH):c.697C>T (p.Arg233Ter)

Gene: SGSH (N-sulfoglucosamine sulfohydrolase; minus strand). Cytogenetic location: 17q25.3.
Variant type: single nucleotide variant.
Coding change: c.697C>T on transcript NM_000199.5 (MANE Select); coding-DNA position 697, C replaced by T.
Protein change: p.Arg233Ter; replaces arginine 233 with a stop codon.
Molecular consequence: nonsense. On other transcripts: non-coding transcript variant (1).
Genome position (GRCh38, 1-based): chr17:80,213,852, G>A on the plus strand (C>T on the coding strand, the complement: SGSH is on the minus strand). VCF-style: chr17-80213852-G-A. GRCh37 (hg19) VCF-style: chr17-78187651-G-A.
Other names: c.697C>T, p.Arg233Ter (NM_001352921.3, NM_001352922.2); c.697C>T (NM_000199.4); short protein forms R233*.
Identifiers: ClinVar variation 370732 (VCV000370732.26), dbSNP rs374621913, ClinGen allele CA8817835.
Genomic context (GRCh38, chr17:80,213,852, plus strand): 5'-CTGCAAGCCCACCTTGGTCCATGCGGCCGACGGTGGTGTACTGAGCGGCCAGGTCGGCTC[G>A]GGCTGCCGGGGTGTTGGGGACGAAGTAAGGCACCTGGGGCAGGCGGTGGGGAGCCAGGCT-3'

ClinVar aggregate classification (germline): Pathogenic/Likely pathogenic. Review status: criteria provided, multiple submitters, no conflicts (2 of 4 stars). 11 submissions from 11 submitters: Pathogenic (9); Likely pathogenic (1). 1 of the submissions does not count toward it. Last evaluated 2026-01-22.

Conditions:
Inborn genetic diseases. Identifiers: MedGen C0950123, MeSH D030342.
SGSH-related disorder. Also called: SGSH-related condition.
Sanfilippo syndrome. Also called: Mucopolysaccharidosis type 3; Mucopolysaccharidosis Type III; Sanfilippo disease. Identifiers: Orphanet 581, MedGen C0026706, MONDO:0018937.
Mucopolysaccharidosis, MPS-III-A (MPS3A). Also called: MUCOPOLYSACCHARIDOSIS, TYPE IIIA, ATTENUATED; MPS III A; Mucopolysaccharidosis type IIIA (Sanfilippo A); Mucopolysaccharidosis, type IIIA; mucopolysaccharidosis type 3A; MPS IIIA (Sanfilippo Syndrome Type A). Identifiers: Orphanet 581, Orphanet 79269, MedGen C0086647, MONDO:0009655, OMIM 252900.

Allele frequency attached by ClinVar (database versions not stated): TOPMed 0.00001; gnomAD 0.00003; ESP Exome Variant Server 0.00008.

Submissions (11):

Natera, Inc.
Classification: Pathogenic for Mucopolysaccharidosis type IIIA. Last evaluated: 2026-01-22. Review status: criteria provided, single submitter. Criteria: Natera Variant Classification Schema (03/2026). Collection method: clinical testing. Allele origin: germline.
Comment: The c.697C>T variant in SGSH is a nonsense variant predicted to introduce a stop codon at amino acid 233. This variant is expected to result in nonsense mediated decay, truncation, or a dysfunctional protein product. This variant is rare in the general population with a frequency below the threshold expected for the associated phenotype(s). This variant has been observed in one or more individuals affected with the associated recessive disease, as either homozygous or compound heterozygous with a second variant (PMID: 11182930). Given the available evidence, this variant is classified as Pathogenic.

Labcorp Genetics (formerly Invitae), Labcorp
Classification: Pathogenic for Mucopolysaccharidosis, MPS-III-A. Last evaluated: 2025-11-03. Review status: criteria provided, single submitter. Criteria: Invitae Variant Classification Sherloc (09022015). Collection method: clinical testing. Allele origin: germline.
Comment: This sequence change creates a premature translational stop signal (p.Arg233*) in the SGSH gene. It is expected to result in an absent or disrupted protein product. Loss-of-function variants in SGSH are known to be pathogenic (PMID: 11182930, 21204211, 22976768). The frequency data for this variant in the population databases is considered unreliable, as metrics indicate poor data quality at this position in the gnomAD database. This premature translational stop signal has been observed in individual(s) with mucopolysaccharidosis type III (PMID: 15146460). ClinVar contains an entry for this variant (Variation ID: 370732). For these reasons, this variant has been classified as Pathogenic.

Genomic Medicine Center of Excellence, King Faisal Specialist Hospital and Research Centre
Classification: Pathogenic for Mucopolysaccharidosis, MPS-III-A. Last evaluated: 2024-09-22. Review status: criteria provided, single submitter. Criteria: ACMG Guidelines, 2015. Collection method: clinical testing. Allele origin: germline.

Blueprint Genetics
Classification: Likely pathogenic for SGSH-related disorders. Last evaluated: 2024-05-30. Review status: criteria provided, single submitter. Criteria: ACMG Guidelines, 2015. Collection method: clinical testing. Allele origin: germline. Affected: yes. Observed: 2 variant alleles.

Ambry Genetics
Classification: Pathogenic for Inborn genetic diseases. Last evaluated: 2023-12-29. Review status: criteria provided, single submitter. Criteria: Ambry Variant Classification Scheme 2023. Collection method: clinical testing. Allele origin: germline.
Comment: The c.697C>T (p.R233*) alteration, located in exon 6 (coding exon 6) of the SGSH gene, consists of a C to T substitution at nucleotide position 697. This changes the amino acid from a arginine (R) to a stop codon at amino acid position 233. This alteration is expected to result in loss of function by premature protein truncation or nonsense-mediated mRNA decay. Based on data from gnomAD, the T allele has an overall frequency of 0.002% (4/268038) total alleles studied. The highest observed frequency was 0.006% (2/34596) of Latino alleles. This alteration was detected, in conjunction with another alteration in SGSH, in multiple individuals with Mucopolysaccharidosis type IIIA (Beesley, 2000; Ghosh, 2021). Based on the available evidence, this alteration is classified as pathogenic.

GeneDx
Classification: Pathogenic. Last evaluated: 2021-11-22. Review status: criteria provided, single submitter. Criteria: GeneDx Variant Classification Process June 2021. Collection method: clinical testing. Allele origin: germline. Affected: yes.
Comment: Nonsense variant predicted to result in protein truncation or nonsense mediated decay in a gene for which loss-of-function is a known mechanism of disease; Not observed at significant frequency in large population cohorts (gnomAD); This variant is associated with the following publications: (PMID: 34426522, Natalia2015[Abstract], 34047372, 11182930, 15146460)

Fulgent Genetics
Classification: Pathogenic for Mucopolysaccharidosis, MPS-III-A. Last evaluated: 2021-11-19. Review status: criteria provided, single submitter. Criteria: ACMG Guidelines, 2015. Collection method: clinical testing. Allele origin: unknown.

Genome-Nilou Lab
Classification: Pathogenic for Mucopolysaccharidosis, MPS-III-A. Last evaluated: 2021-11-07. Review status: criteria provided, single submitter. Criteria: ACMG Guidelines, 2015. Collection method: clinical testing. Allele origin: germline. Affected: no.

Women's Health and Genetics/Laboratory Corporation of America, LabCorp
Classification: Pathogenic for Sanfilippo syndrome. Last evaluated: 2017-07-17. Review status: criteria provided, single submitter. Criteria: LabCorp Variant Classification Summary - May 2015. Collection method: clinical testing. Allele origin: germline.
Comment: Variant summary: The c.697C>T (p.Arg233*) variant in SGSH gene is a nonsense change that results in the loss of the ~54% of the length of the protein (270 aa). This change is predicted to cause loss of normal protein function through protein truncation or nonsense-mediated mRNA decay, which was proven by RNA and protein expression studies (Muschol, 2004). The variant is present in the large control population dataset of ExAC at a low frequency 1.1e-05 (1/90902 chrs tested). This frequency does not exceed the maximal expected frequency of a pathogenic allele (0.0032 in this gene. The variant of interest has been reported in numerous affected individual homozygously or in compound heterozygous state. In addition, the variant is cited as Pathogenic by multiple reputable database/diagnostic centers. Taking together, the variant was classified as Pathogenic.

Juno Genomics, Hangzhou Juno Genomics, Inc
Classification: Pathogenic for Mucopolysaccharidosis, MPS-III-A. Review status: criteria provided, single submitter. Criteria: ACMG Guidelines, 2015. Collection method: clinical testing. Allele origin: germline.
Comment: Absent from controls (or at extremely low frequency if recessive) in Genome Aggregation Database.;Null variant in a gene where loss of function (LOF) is a known mechanism of disease.;For recessive disorders, detected in trans with a pathogenic variant.

Counsyl
Classification: Likely pathogenic for Mucopolysaccharidosis, MPS-III-A. Last evaluated: 2016-11-02. Review status: no assertion criteria provided. Collection method: clinical testing. Allele origin: unknown. Not counted in ClinVar's aggregate classification.

Literature cited by the submitters: PubMed 11182930 (cited by 5 submitters); PubMed 21204211 (cited by Labcorp Genetics (formerly Invitae), Labcorp and Women's Health and Genetics/Laboratory Corporation of America, LabCorp); PubMed 22976768 (cited by Labcorp Genetics (formerly Invitae), Labcorp); PubMed 15146460 (cited by 3 submitters); PubMed 34047372 (cited by Ambry Genetics).